The following is an entry in ClinVar:

NM_003072.5(SMARCA4):c.4392G>T (p.Lys1464Asn)

Gene: SMARCA4 (SWI/SNF related BAF chromatin remodeling complex subunit ATPase 4; plus strand). Cytogenetic location: 19p13.2.
Variant type: single nucleotide variant.
Coding change: c.4392G>T on transcript NM_003072.5 (MANE Select); coding-DNA position 4392, G replaced by T.
Protein change: p.Lys1464Asn; replaces lysine 1464 with asparagine.
Molecular consequence: missense variant. On other transcripts: non-coding transcript variant (1).
Genome position (GRCh38, 1-based): chr19:11,041,528, G>T. VCF-style: chr19-11041528-G-T. GRCh37 (hg19) VCF-style: chr19-11152204-G-T.
Other names: c.4392G>T, p.Lys1464Asn (NM_001128844.3); c.4302G>T, p.Lys1434Asn (NM_001128845.2, NM_001128846.2); c.4293G>T, p.Lys1431Asn (NM_001128847.4, NM_001128848.2, NM_001374457.1); c.4488G>T, p.Lys1496Asn (NM_001128849.3); short protein forms K1464N, K1431N, K1434N, K1496N.
Identifiers: ClinVar variation 824932 (VCV000824932.16), dbSNP rs1600469159, ClinGen allele CA404074122.

ClinVar aggregate classification (germline): Uncertain significance. Review status: criteria provided, multiple submitters, no conflicts (2 of 4 stars). 3 submissions from 3 submitters: Uncertain significance (3). Last evaluated 2025-02-19.

Conditions:
Hereditary cancer-predisposing syndrome. Also called: Neoplastic Syndromes, Hereditary; Tumor predisposition; Hereditary neoplastic syndrome; Hereditary Cancer Syndrome. Identifiers: Orphanet 140162, MedGen C0027672, MeSH D009386, MONDO:0015356.
Intellectual disability, autosomal dominant 16 (CSS4). Also called: COFFIN-SIRIS SYNDROME 4. Identifiers: Orphanet 1465, MedGen C3553249, MONDO:0013821, OMIM 614609.
Rhabdoid tumor predisposition syndrome 2 (RTPS2). Identifiers: Orphanet 231108, Orphanet 69077, MedGen C2750074, MONDO:0013224, OMIM 613325.

gnomAD v4.1: 1 of 1,613,732 alleles (0.000062%); no homozygotes.

Submissions (3):

Labcorp Genetics (formerly Invitae), Labcorp
Classification: Uncertain significance for Rhabdoid tumor predisposition syndrome 2. Last evaluated: 2025-02-19. Review status: criteria provided, single submitter. Criteria: Invitae Variant Classification Sherloc (09022015). Collection method: clinical testing. Allele origin: germline.
Comment: This sequence change replaces lysine, which is basic and polar, with asparagine, which is neutral and polar, at codon 1496 of the SMARCA4 protein (p.Lys1496Asn). This variant is not present in population databases (gnomAD no frequency). This variant has not been reported in the literature in individuals affected with SMARCA4-related conditions. ClinVar contains an entry for this variant (Variation ID: 824932). Invitae Evidence Modeling of protein sequence and biophysical properties (such as structural, functional, and spatial information, amino acid conservation, physicochemical variation, residue mobility, and thermodynamic stability) indicates that this missense variant is not expected to disrupt SMARCA4 protein function with a negative predictive value of 95%. In summary, the available evidence is currently insufficient to determine the role of this variant in disease. Therefore, it has been classified as a Variant of Uncertain Significance.

Genome-Nilou Lab
Classification: Uncertain significance for Intellectual disability, autosomal dominant 16. Last evaluated: 2021-07-15. Review status: criteria provided, single submitter. Criteria: ACMG Guidelines, 2015. Collection method: clinical testing. Allele origin: germline. Affected: no.

Ambry Genetics
Classification: Uncertain significance for Hereditary cancer-predisposing syndrome. Last evaluated: 2018-03-18. Review status: criteria provided, single submitter. Criteria: Ambry Variant Classification Scheme 2023. Collection method: clinical testing. Allele origin: germline.
Comment: The p.K1496N variant (also known as c.4488G>T), located in coding exon 30 of the SMARCA4 gene, results from a G to T substitution at nucleotide position 4488. The lysine at codon 1496 is replaced by asparagine, an amino acid with similar properties. This amino acid position is well conserved in available vertebrate species. In addition, this alteration is predicted to be tolerated by in silico analysis. Since supporting evidence is limited at this time, the clinical significance of this alteration remains unclear.